The following is an entry in ClinVar:

NM_004006.3(DMD):c.*38G>A

Gene: DMD (dystrophin; minus strand). Cytogenetic location: Xp21.2.
Variant type: single nucleotide variant.
Coding change: c.*38G>A on transcript NM_004006.3 (MANE Select); 38 bases downstream of the stop codon, G replaced by A.
Molecular consequence: 3 prime UTR variant. On other transcripts: synonymous variant (5).
Genome position (GRCh38, 1-based): chrX:31,121,881, C>T on the plus strand (G>A on the coding strand, the complement: DMD is on the minus strand). VCF-style: chrX-31121881-C-T. GRCh37 (hg19) VCF-style: chrX-31139998-C-T.
Other names: c.*38G>A (NM_000109.4, NM_004009.3, NM_004010.3 and 7 more transcripts); c.1860G>A, p.Ala620= (NM_004016.3); c.1821G>A, p.Ala607= (NM_004018.3); c.3684G>A, p.Ala1228= (NM_004021.3); c.3645G>A, p.Ala1215= (NM_004022.3); c.3354G>A, p.Ala1118= (NM_004023.3); c.1860G>A (NM_004016.2).
Identifiers: ClinVar variation 226569 (VCV000226569.20), dbSNP rs16989352, ClinGen allele CA10377446.
Genomic context (GRCh38, chrX:31,121,881, plus strand): 5'-GTTGTAAAACATTTATTCTGCTCCTTCTTCATCTGTCATGACTGATACTAAGGACTCCAT[C>T]GCTCTGCCCAAATCATCTGCCATGTGGAAAAGACTTCCTACATTGTGTCCTGGAAAACAA-3'

ClinVar aggregate classification (germline): Benign. Review status: criteria provided, multiple submitters, no conflicts (2 of 4 stars). 6 submissions from 6 submitters: Benign (5). 1 of the submissions does not count toward it. Last evaluated 2025-04-09.

Conditions:
Duchenne muscular dystrophy (DMD). Also called: Duchenne Muscular Dystrophy (DMD); MUSCULAR DYSTROPHY, PSEUDOHYPERTROPHIC PROGRESSIVE, DUCHENNE TYPE. Identifiers: Orphanet 98896, MedGen C0013264, MONDO:0010679, OMIM 310200.
Dystrophin deficiency.
Cardiomyopathy (CMYO). Also called: Cardiomyopathies. Identifiers: Orphanet 167848, MedGen C0878544, MONDO:0004994, HP:0001638. Inheritance: Various modes of inheritance.
Becker muscular dystrophy (BMD). Also called: Becker Muscular Dystrophy (BMD); MUSCULAR DYSTROPHY, PSEUDOHYPERTROPHIC PROGRESSIVE, BECKER TYPE. Identifiers: Orphanet 98895, MedGen C0917713, MONDO:0010311, OMIM 300376.
Dilated cardiomyopathy 3B (CMD3B). Also called: CMD3B: DMD-Related Dilated Cardiomyopathy; CARDIOMYOPATHY, DILATED, X-LINKED; DMD-Associated Dilated Cardiomyopathy. Identifiers: Orphanet 154, MedGen C3668940, MONDO:0010542, OMIM 302045.

Allele frequency attached by ClinVar (database versions not stated): gnomAD exomes 0.00127 and 0.00261; ExAC 0.00339; 1000 Genomes Project 30x 0.00499; 1000 Genomes Project 0.00503; gnomAD 0.00739 and 0.00785; TOPMed 0.00855; ESP Exome Variant Server 0.00985.
gnomAD v4.1: 2,266 of 1,207,863 alleles (0.19%); highest among the groups gnomAD compares: African/African-American, 2.4%; 19 homozygotes.

Submissions (6):

Molecular Diagnostic Laboratory for Inherited Cardiovascular Disease, Montreal Heart Institute
Classification: Benign. Last evaluated: 2025-04-09. Review status: criteria provided, single submitter. Criteria: ACMG Guidelines, 2015. Collection method: clinical testing. Allele origin: germline. Affected: no.

Blueprint Genetics
Classification: Benign. Last evaluated: 2024-11-28. Review status: criteria provided, single submitter. Criteria: ACMG Guidelines, 2015. Collection method: clinical testing. Allele origin: germline.

ARUP Laboratories, Molecular Genetics and Genomics, ARUP Laboratories
Classification: Benign. Last evaluated: 2024-03-20. Review status: criteria provided, single submitter. Criteria: ARUP Molecular Germline Variant Investigation Process 2024. Collection method: clinical testing. Allele origin: germline.

Illumina Laboratory Services, Illumina
Classification: Benign for Dilated cardiomyopathy 3B. Last evaluated: 2018-01-13. Review status: criteria provided, single submitter. Criteria: ICSL Variant Classification Criteria 13 December 2019. Collection method: clinical testing. Allele origin: germline.
Comment: This variant was observed in the ICSL laboratory as part of a predisposition screen in an ostensibly healthy population. It had not been previously curated by ICSL or reported in the Human Gene Mutation Database (HGMD: prior to June 1st, 2018), and was therefore a candidate for classification through an automated scoring system. Utilizing variant allele frequency, disease prevalence and penetrance estimates, and inheritance mode, an automated score was calculated to assess if this variant is too frequent to cause the disease. Based on the score and internal cut-off values, a variant classified as benign is not then subjected to further curation. The score for this variant resulted in a classification of benign for this disease.

Laboratory for Molecular Medicine, Mass General Brigham Personalized Medicine
Classification: Benign. Last evaluated: 2015-01-13. Review status: criteria provided, single submitter. Criteria: LMM Criteria. Collection method: clinical testing. Allele origin: germline. Observed: 3 variant alleles.
Comment: p.Ala1228Ala in exon 35O of DMD: This variant is not expected to have clinical s ignificance because it does not alter an amino acid residue and is not located w ithin the splice consensus sequence. It has been identified in 2.6% (99/3833) of African American chromosomes by the NHLBI Exome Sequencing Project (.; dbSNP rs16989352).

Natera, Inc.
Classification: Likely benign for Becker muscular dystrophy; Cardiomyopathy; Duchenne muscular dystrophy; Dystrophin deficiency. Last evaluated: 2017-04-25. Review status: no assertion criteria provided. Collection method: clinical testing. Allele origin: germline. Not counted in ClinVar's aggregate classification.